The following is an entry in ClinVar:

NM_000939.4(POMC):c.83G>T (p.Cys28Phe)

Gene: POMC (proopiomelanocortin; minus strand). Cytogenetic location: 2p23.3.
Variant type: single nucleotide variant.
Coding change: c.83G>T on transcript NM_000939.4 (MANE Select); coding-DNA position 83, G replaced by T.
Protein change: p.Cys28Phe; replaces cysteine 28 with phenylalanine.
Molecular consequence: missense variant.
Genome position (GRCh38, 1-based): chr2:25,164,690, C>A on the plus strand (G>T on the coding strand, the complement: POMC is on the minus strand). VCF-style: chr2-25164690-C-A. GRCh37 (hg19) VCF-style: chr2-25387559-C-A.
Other names: c.83G>T, p.Cys28Phe (NM_001035256.3, NM_001319204.2, NM_001319205.2); short protein forms C28F.
Identifiers: ClinVar variation 4982331 (VCV004982331.1).

ClinVar aggregate classification (germline): Uncertain significance (1 of 4 stars; one submission).

Conditions:
POMC-related disorder. Also called: POMC-related disorders; POMC-related condition.

Submission:

PreventionGenetics, part of Exact Sciences
Classification: Uncertain significance for POMC-related condition. Last evaluated: 2025-07-07. Review status: criteria provided, single submitter. Criteria: ACMG Guidelines, 2015. Collection method: clinical testing. Allele origin: germline.
Comment: The POMC c.83G>T variant is predicted to result in the amino acid substitution p.Cys28Phe. This variant has been reported in one family segregating with overweight and obese individuals, and functional analysis suggested that it disrupts POMC processing (Creemers et al. 2008. PubMed ID: 18697863). In another study, this variant was observed in a cohort of individuals with obesity, and in vitro functional studies showed this variant did not reduce protein function and could cause increased function (Supplemental Data Set 3, Shah et al. 2023. PubMed ID: 36864747). This variant is reported in 0.0031% of alleles in individuals of European (Non-Finnish) descent in gnomAD, which is considered rare. Although we suspect that this variant may be pathogenic, at this time its clinical significance is uncertain due to the absence of conclusive functional and genetic evidence.